The following is an entry in ClinVar:

ClinVar aggregate classification (germline): Uncertain significance (1 of 4 stars; one submission).

Submission:

Labcorp Genetics (formerly Invitae), Labcorp
Classification: Uncertain significance. Last evaluated: 2025-09-14. Review status: criteria provided, single submitter. Criteria: Invitae Variant Classification Sherloc (09022015). Collection method: clinical testing. Allele origin: germline.
Comment: This sequence change replaces cysteine, which is neutral and slightly polar, with arginine, which is basic and polar, at codon 1425 of the LAMB1 protein (p.Cys1425Arg). This variant is not present in population databases (gnomAD no frequency). This variant has not been reported in the literature in individuals affected with LAMB1-related conditions. An algorithm developed to predict the effect of missense changes on protein structure and function (PolyPhen-2) suggests that this variant is likely to be disruptive. In summary, the available evidence is currently insufficient to determine the role of this variant in disease. Therefore, it has been classified as a Variant of Uncertain Significance.

NM_002291.3(LAMB1):c.4273T>C (p.Cys1425Arg)

Gene: LAMB1 (laminin subunit beta 1; minus strand). Cytogenetic location: 7q31.1.
Variant type: single nucleotide variant.
Coding change: c.4273T>C on transcript NM_002291.3 (MANE Select); coding-DNA position 4273, T replaced by C.
Protein change: p.Cys1425Arg; replaces cysteine 1425 with arginine.
Molecular consequence: missense variant.
Genome position (GRCh38, 1-based): chr7:107,932,293, A>G on the plus strand (T>C on the coding strand, the complement: LAMB1 is on the minus strand). VCF-style: chr7-107932293-A-G. GRCh37 (hg19) VCF-style: chr7-107572738-A-G.
Other names: short protein forms C1425R.
Identifiers: ClinVar variation 4726855 (VCV004726855.1).
Genomic context (GRCh38, chr7:107,932,293, plus strand): 5'-TGGCTTTCTGCCAGGCGTTGTGTGCAACAGTAACCAGACCACCACAGCCAGGCCCCCCAC[A>G]CTTCCTCTCTCCTTCGTCAGTTCTGCAGTTTGGCCCGCCACATTCAGTCTCGGAACAGGA-3'
Protein context (NP_002282.2, residues 1415-1435): NCRTDEGERK[Cys1425Arg]GGPGCGGLVT